The following is an entry in ClinVar:

NM_000051.4(ATM):c.5065C>T (p.Gln1689Ter)

Gene: ATM (ATM serine/threonine kinase; plus strand). Cytogenetic location: 11q22.3.
Variant type: single nucleotide variant.
Coding change: c.5065C>T on transcript NM_000051.4 (MANE Select); coding-DNA position 5065, C replaced by T.
Protein change: p.Gln1689Ter; replaces glutamine 1689 with a stop codon.
Molecular consequence: nonsense.
Genome position (GRCh38, 1-based): chr11:108,299,773, C>T. VCF-style: chr11-108299773-C-T. GRCh37 (hg19) VCF-style: chr11-108170500-C-T.
Other names: c.5065C>T, p.Gln1689Ter (NM_001351834.2); short protein forms Q1689*.
Identifiers: ClinVar variation 479098 (VCV000479098.16), dbSNP rs1555104609, ClinGen allele CA382540526.

ClinVar aggregate classification (germline): Pathogenic. Review status: criteria provided, multiple submitters, no conflicts (2 of 4 stars). 5 submissions from 5 submitters: Pathogenic (5). Last evaluated 2024-08-01.

Conditions:
Hereditary cancer-predisposing syndrome. Also called: Tumor predisposition; Neoplastic Syndromes, Hereditary; Hereditary Cancer Syndrome; Hereditary neoplastic syndrome. Identifiers: Orphanet 140162, MedGen C0027672, MeSH D009386, MONDO:0015356.
Familial cancer of breast. Also called: BREAST CANCER, FAMILIAL; Hereditary breast cancer; hereditary breast carcinoma. Identifiers: Orphanet 227535, MedGen C0346153, MONDO:0016419, OMIM 114480. Disease mechanism: loss of function.
Ataxia-telangiectasia syndrome (AT). Also called: Cerebello-oculocutaneous telangiectasia; Immunodeficiency with ataxia telangiectasia; ATAXIA-TELANGIECTASIA, COMPLEMENTATION GROUP A; Ataxia-telangiectasia, complementation group D; AT, COMPLEMENTATION GROUP C; ATAXIA-TELANGIECTASIA, FRESNO VARIANT. Identifiers: Orphanet 100, MedGen C0004135, MONDO:0008840, OMIM 208900.

Submissions (5):

Ambry Genetics
Classification: Pathogenic for Hereditary cancer-predisposing syndrome. Last evaluated: 2024-08-01. Review status: criteria provided, single submitter. Criteria: Ambry Variant Classification Scheme 2023. Collection method: clinical testing. Allele origin: germline.
Comment: The p.Q1689* pathogenic mutation (also known as c.5065C>T), located in coding exon 33 of the ATM gene, results from a C to T substitution at nucleotide position 5065. This changes the amino acid from a glutamine to a stop codon within coding exon 33. This mutation has been reported in the homozygous state in an individual with features of ataxia-telangiectasia (A-T) (Micol R et al. J Allergy Clin Immunol. 2011;128(2):382-9). In addition to the clinical data presented in the literature, this alteration is expected to result in loss of function by premature protein truncation or nonsense-mediated mRNA decay. As such, this alteration is interpreted as a disease-causing mutation.

Myriad Genetics, Inc.
Classification: Pathogenic for Familial cancer of breast. Last evaluated: 2024-01-25. Review status: criteria provided, single submitter. Criteria: Myriad Autosomal Dominant, Autosomal Recessive and X-Linked Classification Criteria (2023). Collection method: clinical testing. Allele origin: unknown.
Comment: This variant is considered pathogenic. This variant creates a termination codon and is predicted to result in premature protein truncation.

Baylor Genetics
Classification: Pathogenic for Familial cancer of breast. Last evaluated: 2023-09-19. Review status: criteria provided, single submitter. Criteria: ACMG Guidelines, 2015. Collection method: clinical testing. Allele origin: unknown.

Labcorp Genetics (formerly Invitae), Labcorp
Classification: Pathogenic for Ataxia-telangiectasia syndrome. Last evaluated: 2022-08-16. Review status: criteria provided, single submitter. Criteria: Invitae Variant Classification Sherloc (09022015). Collection method: clinical testing. Allele origin: germline.
Comment: This sequence change creates a premature translational stop signal (p.Gln1689*) in the ATM gene. It is expected to result in an absent or disrupted protein product. Loss-of-function variants in ATM are known to be pathogenic (PMID: 23807571, 25614872). This variant is not present in population databases (gnomAD no frequency). This premature translational stop signal has been observed in individual(s) with ovarian cancer, prostate cancer and ataxia-telangiectasia (PMID: 21665257, 28281021, 32832836). ClinVar contains an entry for this variant (Variation ID: 479098). Algorithms developed to predict the effect of sequence changes on RNA splicing suggest that this variant may disrupt the consensus splice site. For these reasons, this variant has been classified as Pathogenic.

Color Diagnostics, LLC DBA Color Health
Classification: Pathogenic for Hereditary cancer-predisposing syndrome. Last evaluated: 2020-07-28. Review status: criteria provided, single submitter. Criteria: ACMG Guidelines, 2015. Collection method: clinical testing. Allele origin: germline.
Comment: This variant changes 1 nucleotide in exon 34 of the ATM gene, creating a premature translation stop signal. This variant is expected to result in an absent or non-functional protein product. To our knowledge, this variant has been reported in individuals affected with ovarian and prostate cancer in the literature (PMID: 28281021, doi: 10.1200/PO.19.00179). This variant has not been identified in the general population by the Genome Aggregation Database (gnomAD). Loss of ATM function is a known mechanism of disease. Based on the available evidence, this variant is classified as Pathogenic.

Literature cited by the submitters: PubMed 28281021 (cited by Ambry Genetics and Labcorp Genetics (formerly Invitae), Labcorp); PubMed 23807571 (cited by Labcorp Genetics (formerly Invitae), Labcorp); PubMed 25614872 (cited by Labcorp Genetics (formerly Invitae), Labcorp); PubMed 21665257 (cited by Labcorp Genetics (formerly Invitae), Labcorp); PubMed 32832836 (cited by Labcorp Genetics (formerly Invitae), Labcorp).